The following is an entry in ClinVar:

NM_001378120.1(MBD5):c.695A>C (p.Tyr232Ser)

Gene: MBD5 (methyl-CpG binding domain protein 5; plus strand). Cytogenetic location: 2q23.1.
Variant type: single nucleotide variant.
Coding change: c.695A>C on transcript NM_001378120.1 (MANE Select); coding-DNA position 695, A replaced by C.
Protein change: p.Tyr232Ser; replaces tyrosine 232 with serine.
Molecular consequence: missense variant.
Genome position (GRCh38, 1-based): chr2:148,468,638, A>C. VCF-style: chr2-148468638-A-C. GRCh37 (hg19) VCF-style: chr2-149226207-A-C.
Other names: c.695A>C, p.Tyr232Ser (NM_018328.5); short protein forms Y232S.
Identifiers: ClinVar variation 3364886 (VCV003364886.2).

ClinVar aggregate classification (germline): Uncertain significance (1 of 4 stars; one submission).

Submission:

GeneDx
Classification: Uncertain significance. Last evaluated: 2025-06-15. Review status: criteria provided, single submitter. Criteria: GeneDx Variant Classification Process June 2021. Collection method: clinical testing. Allele origin: germline.
Comment: Not observed at significant frequency in large population cohorts (gnomAD); In silico analysis suggests that this missense variant does not alter protein structure/function; Has not been previously published as pathogenic or benign to our knowledge